The following is an entry in ClinVar:

ClinVar aggregate classification (germline): Pathogenic. Review status: criteria provided, multiple submitters, no conflicts (2 of 4 stars). 7 submissions from 7 submitters: Pathogenic (5). 2 of the submissions do not count toward it. Last evaluated 2025-11-06.

Conditions:
Familial cancer of breast. Also called: BREAST CANCER, FAMILIAL; Hereditary breast cancer; hereditary breast carcinoma. Identifiers: Orphanet 227535, MedGen C0346153, MONDO:0016419, OMIM 114480. Disease mechanism: loss of function.
Hereditary cancer-predisposing syndrome. Also called: Neoplastic Syndromes, Hereditary; Tumor predisposition; Hereditary Cancer Syndrome; Hereditary neoplastic syndrome. Identifiers: Orphanet 140162, MedGen C0027672, MeSH D009386, MONDO:0015356.
CHEK2-related cancer predisposition (TPDS4). Also called: TUMOR PREDISPOSITION SYNDROME 4; CANCER PREDISPOSITION SYNDROME, CHEK2-RELATED; CHEK2-related cancer susceptibility. Identifiers: Orphanet 524, MedGen C5882668, MONDO:0700271, OMIM 609265.

Submissions (7):

Labcorp Genetics (formerly Invitae), Labcorp
Classification: Pathogenic for Familial cancer of breast. Last evaluated: 2025-11-06. Review status: criteria provided, single submitter. Criteria: Invitae Variant Classification Sherloc (09022015). Collection method: clinical testing. Allele origin: germline.
Comment: This sequence change creates a premature translational stop signal (p.Phe199Leufs*6) in the CHEK2 gene. It is expected to result in an absent or disrupted protein product. Loss-of-function variants in CHEK2 are known to be pathogenic (PMID: 21876083, 24713400). This variant is present in population databases (no rsID available, gnomAD 0.007%). This variant has not been reported in the literature in individuals affected with CHEK2-related conditions. ClinVar contains an entry for this variant (Variation ID: 483374). For these reasons, this variant has been classified as Pathogenic.

Ambry Genetics
Classification: Pathogenic for Hereditary cancer-predisposing syndrome. Last evaluated: 2025-07-14. Review status: criteria provided, single submitter. Criteria: Ambry Variant Classification Scheme 2023. Collection method: clinical testing. Allele origin: germline.
Comment: The c.597delT pathogenic mutation, located in coding exon 4 of the CHEK2 gene, results from a deletion of one nucleotide at nucleotide position 597, causing a translational frameshift with a predicted alternate stop codon (p.F199Lfs*6). This alteration is expected to result in loss of function by premature protein truncation or nonsense-mediated mRNA decay. As such, this alteration is interpreted as a disease-causing mutation.

Institute of Human Genetics Munich, TUM University Hospital
Classification: Pathogenic for CHEK2-related cancer predisposition. Last evaluated: 2025-02-27. Review status: criteria provided, single submitter. Criteria: Classification criteria August 2017. Collection method: clinical testing. Allele origin: germline. Inheritance: Autosomal dominant inheritance. Affected: yes. Observed: 1 variant allele.

Myriad Genetics, Inc.
Classification: Pathogenic for Familial cancer of breast. Last evaluated: 2023-06-26. Review status: criteria provided, single submitter. Criteria: Myriad Autosomal Dominant, Autosomal Recessive and X-Linked Classification Criteria (2023). Collection method: clinical testing. Allele origin: unknown.
Comment: This variant is considered pathogenic. This variant creates a frameshift predicted to result in premature protein truncation.

Color Diagnostics, LLC DBA Color Health
Classification: Pathogenic for Hereditary cancer-predisposing syndrome. Last evaluated: 2020-03-16. Review status: criteria provided, single submitter. Criteria: ACMG Guidelines, 2015. Collection method: clinical testing. Allele origin: germline.
Comment: This variant deletes 1 nucleotide in exon 5 of the CHEK2 gene, creating a frameshift and premature translation stop signal. This variant is expected to result in an absent or non-functional protein product. To our knowledge, this variant has not been reported in individuals affected with hereditary cancer in the literature. This variant has not been identified in the general population by the Genome Aggregation Database (gnomAD). Loss of CHEK2 function is a known mechanism of disease. Based on the available evidence, this variant is classified as Pathogenic.

Diagnostic Laboratory, Department of Genetics, University Medical Center Groningen
Classification: Pathogenic. Review status: no assertion criteria provided. Collection method: clinical testing. Allele origin: germline. Affected: yes. Study: VKGL Data-share Consensus. Not counted in ClinVar's aggregate classification.

Genome Diagnostics Laboratory, University Medical Center Utrecht
Classification: Pathogenic. Review status: no assertion criteria provided. Collection method: clinical testing. Allele origin: germline. Affected: yes. Study: VKGL Data-share Consensus. Not counted in ClinVar's aggregate classification.

Literature cited by the submitters: PubMed 21876083 (cited by Labcorp Genetics (formerly Invitae), Labcorp); PubMed 24713400 (cited by Labcorp Genetics (formerly Invitae), Labcorp).

NM_007194.4(CHEK2):c.597del (p.Phe199fs)

Gene: CHEK2 (checkpoint kinase 2; minus strand). Cytogenetic location: 22q12.1.
Variant type: Deletion.
Coding change: c.597del on transcript NM_007194.4 (MANE Select); coding-DNA position 597, one base deleted (T; older notation c.597delT).
Protein change: p.Phe199fs; shifts the reading frame from phenylalanine 199.
Molecular consequence: frameshift variant. On other transcripts: 5 prime UTR variant (2), intron variant (1).
Genome position (GRCh38, 1-based): chr22:28,719,481, A deleted on the plus strand (T on the coding strand, the reverse complement: CHEK2 is on the minus strand); the first of 5 consecutive A bases (chr22:28,719,481-28,719,485); deleting any one gives the same sequence. VCF-style (leftmost placement, unchanged base first): chr22-28719480-CA-C. GRCh37 (hg19) VCF-style: chr22-29115468-CA-C.
Other names: c.726del, p.Phe242fs (NM_001005735.3, NM_001438294.1); c.-67del (NM_001257387.3, NM_001437942.1); c.690del, p.Phe230fs (NM_001438293.1, NM_001438295.1); c.597del, p.Phe199fs (NM_145862.3); c.482+5405del (NM_001349956.3); short protein forms F242fs, F199fs, F230fs.
Identifiers: ClinVar variation 483374 (VCV000483374.27), dbSNP rs1250779080, ClinGen allele CA638800827.